The following is an entry in ClinVar:

ClinVar aggregate classification (germline): Uncertain significance (1 of 4 stars; one submission).

Conditions:
Progressive sclerosing poliodystrophy (MTDPS4A). Also called: Mitochondrial DNA Depletion Syndrome 4A; Alpers-Huttenlocher Syndrome (AHS); ALPERS PROGRESSIVE INFANTILE POLIODYSTROPHY; NEURONAL DEGENERATION OF CHILDHOOD WITH LIVER DISEASE, PROGRESSIVE; Mitochondrial DNA depletion syndrome 4A (Alpers type); Alpers Syndrome. Identifiers: Orphanet 726, MedGen C0205710, MONDO:0008758, OMIM 203700.

Allele frequency attached by ClinVar (database versions not stated): TOPMed below 0.00001.

Submission:

Labcorp Genetics (formerly Invitae), Labcorp
Classification: Uncertain significance for Progressive sclerosing poliodystrophy. Last evaluated: 2024-02-23. Review status: criteria provided, single submitter. Criteria: Invitae Variant Classification Sherloc (09022015). Collection method: clinical testing. Allele origin: germline.
Comment: This sequence change replaces histidine, which is basic and polar, with glutamine, which is neutral and polar, at codon 971 of the POLG protein (p.His971Gln). This variant is not present in population databases (gnomAD no frequency). This variant has not been reported in the literature in individuals affected with POLG-related conditions. ClinVar contains an entry for this variant (Variation ID: 2122400). Advanced modeling of protein sequence and biophysical properties (such as structural, functional, and spatial information, amino acid conservation, physicochemical variation, residue mobility, and thermodynamic stability) has been performed at Invitae for this missense variant, however the output from this modeling did not meet the statistical confidence thresholds required to predict the impact of this variant on POLG protein function. In summary, the available evidence is currently insufficient to determine the role of this variant in disease. Therefore, it has been classified as a Variant of Uncertain Significance.

NM_002693.3(POLG):c.2913C>A (p.His971Gln)

Gene: POLG (DNA polymerase gamma, catalytic subunit; minus strand). Cytogenetic location: 15q26.1.
Variant type: single nucleotide variant.
Coding change: c.2913C>A on transcript NM_002693.3 (MANE Select); coding-DNA position 2913, C replaced by A.
Protein change: p.His971Gln; replaces histidine 971 with glutamine.
Molecular consequence: missense variant.
Genome position (GRCh38, 1-based): chr15:89,320,834, G>T on the plus strand (C>A on the coding strand, the complement: POLG is on the minus strand). VCF-style: chr15-89320834-G-T. GRCh37 (hg19) VCF-style: chr15-89864065-G-T.
Other names: c.2913C>A, p.His971Gln (NM_001126131.2); short protein forms H971Q.
Identifiers: ClinVar variation 2122400 (VCV002122400.4), dbSNP rs2055383607, ClinGen allele CA393752400.
Genomic context (GRCh38, chr15:89,320,834, plus strand): 5'-GCCCTTGGTGGCAGCGTACATCTGCTGGGCCTTCTCAGCTGCCTCCTGCTGTGTGAGCCG[G>T]TGGTTAAACTGCATTAGTAAGCGCTCAGCAAAGGGCTGCCCAGCACCATAGATGCGGCCG-3'
Protein context (NP_002684.1, residues 961-981): FAERLLMQFN[His971Gln]RLTQQEAAEK